The following is an entry in ClinVar:

ClinVar aggregate classification (germline): Uncertain significance. Review status: criteria provided, multiple submitters, no conflicts (2 of 4 stars). 3 submissions from 3 submitters: Uncertain significance (3). Last evaluated 2024-07-21.

Conditions:
Tuberous sclerosis 1 (TSC1). Identifiers: Orphanet 805, MedGen C1854465, MONDO:0008612, OMIM 191100.
Hereditary cancer-predisposing syndrome. Also called: Hereditary neoplastic syndrome; Neoplastic Syndromes, Hereditary; Tumor predisposition; Hereditary Cancer Syndrome. Identifiers: Orphanet 140162, MedGen C0027672, MeSH D009386, MONDO:0015356.

Submissions (3):

Labcorp Genetics (formerly Invitae), Labcorp
Classification: Uncertain significance for Tuberous sclerosis 1. Last evaluated: 2024-07-21. Review status: criteria provided, single submitter. Criteria: Invitae Variant Classification Sherloc (09022015). Collection method: clinical testing. Allele origin: germline.
Comment: This sequence change replaces arginine, which is basic and polar, with threonine, which is neutral and polar, at codon 484 of the TSC1 protein (p.Arg484Thr). This variant is not present in population databases (gnomAD no frequency). This variant has not been reported in the literature in individuals affected with TSC1-related conditions. ClinVar contains an entry for this variant (Variation ID: 1196928). Advanced modeling of protein sequence and biophysical properties (such as structural, functional, and spatial information, amino acid conservation, physicochemical variation, residue mobility, and thermodynamic stability) performed at Invitae indicates that this missense variant is not expected to disrupt TSC1 protein function with a negative predictive value of 95%. In summary, the available evidence is currently insufficient to determine the role of this variant in disease. Therefore, it has been classified as a Variant of Uncertain Significance.

Ambry Genetics
Classification: Uncertain significance for Hereditary cancer-predisposing syndrome. Last evaluated: 2024-03-09. Review status: criteria provided, single submitter. Criteria: Ambry Variant Classification Scheme 2023. Collection method: clinical testing. Allele origin: germline.
Comment: The p.R484T variant (also known as c.1451G>C), located in coding exon 13 of the TSC1 gene, results from a G to C substitution at nucleotide position 1451. The arginine at codon 484 is replaced by threonine, an amino acid with similar properties. This amino acid position is conserved. In addition, this alteration is predicted to be tolerated by in silico analysis. Based on the available evidence, the clinical significance of this alteration remains unclear.

GeneDx
Classification: Uncertain significance. Last evaluated: 2023-07-10. Review status: criteria provided, single submitter. Criteria: GeneDx Variant Classification Process June 2021. Collection method: clinical testing. Allele origin: germline. Affected: yes.
Comment: Not observed in large population cohorts (gnomAD); In silico analysis supports that this missense variant does not alter protein structure/function; Has not been previously published as pathogenic or benign to our knowledge

NM_000368.5(TSC1):c.1451G>C (p.Arg484Thr)

Gene: TSC1 (TSC complex subunit 1; minus strand). Cytogenetic location: 9q34.13.
Variant type: single nucleotide variant.
Coding change: c.1451G>C on transcript NM_000368.5 (MANE Select); coding-DNA position 1451, G replaced by C.
Protein change: p.Arg484Thr; replaces arginine 484 with threonine.
Molecular consequence: missense variant.
Genome position (GRCh38, 1-based): chr9:132,906,127, C>G on the plus strand (G>C on the coding strand, the complement: TSC1 is on the minus strand). VCF-style: chr9-132906127-C-G. GRCh37 (hg19) VCF-style: chr9-135781514-C-G.
Other names: c.1448G>C, p.Arg483Thr (NM_001162426.2); c.1298G>C, p.Arg433Thr (NM_001162427.2); c.1088G>C, p.Arg363Thr (NM_001362177.2); short protein forms R363T, R433T, R483T, R484T.
Identifiers: ClinVar variation 1196928 (VCV001196928.6), dbSNP rs2131850238, ClinGen allele CA375365583.